The following is an entry in ClinVar:

NM_001369.3(DNAH5):c.5599dup (p.Leu1867fs)

Gene: DNAH5 (dynein axonemal heavy chain 5; minus strand). Cytogenetic location: 5p15.2.
Variant type: Duplication.
Coding change: c.5599dup on transcript NM_001369.3 (MANE Select); coding-DNA position 5599, one base duplicated (C; older notation c.5599dupC).
Protein change: p.Leu1867fs; shifts the reading frame from leucine 1867.
Molecular consequence: frameshift variant.
Genome position (GRCh38, 1-based): chr5:13,841,016, G duplicated on the plus strand (C on the coding strand, the reverse complement: DNAH5 is on the minus strand). VCF-style (leftmost placement, unchanged base first): chr5-13841015-A-AG. GRCh37 (hg19) VCF-style: chr5-13841124-A-AG.
Other names: short protein forms L1867fs.
Identifiers: ClinVar variation 5011797 (VCV005011797.1).

ClinVar aggregate classification (germline): Pathogenic (1 of 4 stars; one submission).

Conditions:
Primary ciliary dyskinesia 3. Identifiers: Orphanet 244, MedGen C1837618, MONDO:0012085, OMIM 608644.

Submission:

Myriad Genetics, Inc.
Classification: Pathogenic for Primary ciliary dyskinesia 3. Last evaluated: 2024-05-14. Review status: criteria provided, single submitter. Criteria: Myriad Autosomal Dominant, Autosomal Recessive and X-Linked Classification Criteria (2023). Collection method: clinical testing. Allele origin: unknown.
Comment: NM_001369.2(DNAH5):c.5599dupC(L1867Pfs*35) is expected to be pathogenic in the context of primary ciliary dyskinesia, DNAH5-related. This variant is predicted to lead to an abnormal or absent protein product due to the creation of a premature termination codon in DNAH5, a gene where loss-of-function variants are known to be pathogenic. Please note: this variant was assessed in the context of healthy population screening.